The following is an entry in ClinVar:

ClinVar aggregate classification (germline): Uncertain significance (1 of 4 stars; one submission).

Allele frequency attached by ClinVar (database versions not stated): gnomAD exomes below 0.00001.
gnomAD v4.1: 1 of 1,614,204 alleles (0.000062%); highest among the groups gnomAD compares: Non-Finnish European, 0.000085%; no homozygotes.

Submission:

Labcorp Genetics (formerly Invitae), Labcorp
Classification: Uncertain significance. Last evaluated: 2022-03-13. Review status: criteria provided, single submitter. Criteria: Invitae Variant Classification Sherloc (09022015). Collection method: clinical testing. Allele origin: germline.
Comment: In summary, the available evidence is currently insufficient to determine the role of this variant in disease. Therefore, it has been classified as a Variant of Uncertain Significance. Algorithms developed to predict the effect of missense changes on protein structure and function output the following: SIFT: "Tolerated"; PolyPhen-2: "Benign"; Align-GVGD: "Class C0". The isoleucine amino acid residue is found in multiple mammalian species, which suggests that this missense change does not adversely affect protein function. This variant has not been reported in the literature in individuals affected with SLC30A10-related conditions. This variant is not present in population databases (gnomAD no frequency). This sequence change replaces valine, which is neutral and non-polar, with isoleucine, which is neutral and non-polar, at codon 341 of the SLC30A10 protein (p.Val341Ile).

NM_018713.3(SLC30A10):c.1021G>A (p.Val341Ile)

Gene: SLC30A10 (solute carrier family 30 member 10; minus strand). Cytogenetic location: 1q41.
Variant type: single nucleotide variant.
Coding change: c.1021G>A on transcript NM_018713.3 (MANE Select); coding-DNA position 1021, G replaced by A.
Protein change: p.Val341Ile; replaces valine 341 with isoleucine.
Molecular consequence: missense variant. On other transcripts: non-coding transcript variant (2).
Genome position (GRCh38, 1-based): chr1:219,915,886, C>T on the plus strand (G>A on the coding strand, the complement: SLC30A10 is on the minus strand). VCF-style: chr1-219915886-C-T. GRCh37 (hg19) VCF-style: chr1-220089228-C-T.
Other names: c.832G>A, p.Val278Ile (NM_001376929.1); c.346G>A, p.Val116Ile (NM_001416004.1, NM_001416005.1); short protein forms V116I, V278I, V341I.
Identifiers: ClinVar variation 2130728 (VCV002130728.4), dbSNP rs1659529526, ClinGen allele CA344732340.